The following is an entry in ClinVar:

ClinVar aggregate classification (germline): Benign. Review status: criteria provided, multiple submitters, no conflicts (2 of 4 stars). 3 submissions from 2 submitters: Benign (3). Last evaluated 2018-01-13.

Conditions:
Noonan syndrome 4 (NS4). Also called: SOS1-Related Noonan Syndrome; NOONAN SYNDROME WITH PIGMENTED VILLONODULAR SYNOVITIS. Identifiers: Orphanet 648, MedGen C1853120, MONDO:0012547, OMIM 610733.
Fibromatosis, gingival, 1 (GINGF1). Identifiers: Orphanet 2024, MedGen C4551558, MONDO:0007609, OMIM 135300.

Allele frequency attached by ClinVar (database versions not stated): 1000 Genomes Project 0.89956; 1000 Genomes Project 30x 0.90084; TOPMed 0.93447; gnomAD 0.93582 and 0.94064.

Submissions (3):

Illumina Laboratory Services, Illumina
Classification: Benign for Noonan syndrome 4. Last evaluated: 2018-01-13. Review status: criteria provided, single submitter. Criteria: ICSL Variant Classification Criteria 13 December 2019. Collection method: clinical testing. Allele origin: germline.
Comment: This variant was observed in the ICSL laboratory as part of a predisposition screen in an ostensibly healthy population. It had not been previously curated by ICSL or reported in the Human Gene Mutation Database (HGMD: prior to June 1st, 2018), and was therefore a candidate for classification through an automated scoring system. Utilizing variant allele frequency, disease prevalence and penetrance estimates, and inheritance mode, an automated score was calculated to assess if this variant is too frequent to cause the disease. Based on the score and internal cut-off values, a variant classified as benign is not then subjected to further curation. The score for this variant resulted in a classification of benign for this disease.

Illumina Laboratory Services, Illumina
Classification: Benign for Fibromatosis, gingival, 1. Last evaluated: 2018-01-13. Review status: criteria provided, single submitter. Criteria: ICSL Variant Classification Criteria 13 December 2019. Collection method: clinical testing. Allele origin: germline.
Comment: the same text as in the submission from Illumina Laboratory Services, Illumina above.

Breakthrough Genomics
Classification: Benign. Review status: criteria provided, single submitter. Criteria: ACMG Guidelines, 2015. Collection method: not provided. Allele origin: germline. Inheritance: Autosomal dominant inheritance. Affected: yes.

NM_005633.4(SOS1):c.*2567T>A

Gene: SOS1 (SOS Ras/Rac guanine nucleotide exchange factor 1; minus strand). Cytogenetic location: 2p22.1.
Variant type: single nucleotide variant.
Coding change: c.*2567T>A on transcript NM_005633.4 (MANE Select); 2567 bases downstream of the stop codon, T replaced by A.
Molecular consequence: 3 prime UTR variant.
Genome position (GRCh38, 1-based): chr2:38,983,257, A>T on the plus strand (T>A on the coding strand, the complement: SOS1 is on the minus strand). VCF-style: chr2-38983257-A-T. GRCh37 (hg19) VCF-style: chr2-39210398-A-T.
Other names: c.*2567T>A (NM_001382394.1, NM_001382395.1).
Identifiers: ClinVar variation 335979 (VCV000335979.6), dbSNP rs6704656, ClinGen allele CA10615205.